The following is an entry in ClinVar:

NM_001130987.2(DYSF):c.1197C>A (p.Asn399Lys)

Gene: DYSF (dysferlin; plus strand). Cytogenetic location: 2p13.2.
Variant type: single nucleotide variant.
Coding change: c.1197C>A on transcript NM_001130987.2 (MANE Select); coding-DNA position 1197, C replaced by A.
Protein change: p.Asn399Lys; replaces asparagine 399 with lysine.
Molecular consequence: missense variant.
Genome position (GRCh38, 1-based): chr2:71,526,267, C>A. VCF-style: chr2-71526267-C-A. GRCh37 (hg19) VCF-style: chr2-71753397-C-A.
Other names: c.1104C>A, p.Asn368Lys (NM_001130455.2, NM_001130983.2, NM_001130984.2 and 1 more transcripts); c.1101C>A, p.Asn367Lys (NM_001130976.2, NM_001130977.2, NM_001130978.2 and 1 more transcripts); c.1194C>A, p.Asn398Lys (NM_001130979.2, NM_001130980.2, NM_001130981.2); c.1197C>A, p.Asn399Lys (NM_001130982.2, NM_001130985.2); short protein forms N368K, N367K, N398K, N399K.
Identifiers: ClinVar variation 959387 (VCV000959387.11), dbSNP rs781380886, ClinGen allele CA347213217.

ClinVar aggregate classification (germline): Uncertain significance. Review status: criteria provided, single submitter (1 of 4 stars). 2 submissions from 2 submitters: Uncertain significance (1). 1 of the submissions does not count toward it. Last evaluated 2023-03-31.

Conditions:
Neuromuscular disease caused by qualitative or quantitative defects of dysferlin. Also called: Qualitative or quantitative defects of dysferlin; Dysferlinopathy. Identifiers: Orphanet 207073, MedGen C2931687, MONDO:0016145.
Autosomal recessive limb-girdle muscular dystrophy type 2B (LGMDR2). Also called: Limb-girdle muscular dystrophy, type 2B; MUSCULAR DYSTROPHY, LIMB-GIRDLE, AUTOSOMAL RECESSIVE 2; MUSCULAR DYSTROPHY, LIMB-GIRDLE, TYPE 3; Limb-Girdle Muscular Dystrophy Type 2B (LGMD2B). Identifiers: Orphanet 268, MedGen C1850889, MONDO:0009676, OMIM 253601.

Allele frequency attached by ClinVar (database versions not stated): TOPMed 0.00004.
gnomAD v4.1: 3 of 1,614,150 alleles (0.00019%); highest among the groups gnomAD compares: African/African-American, 0.004%; no homozygotes.

Submissions (2):

Labcorp Genetics (formerly Invitae), Labcorp
Classification: Uncertain significance for Neuromuscular disease caused by qualitative or quantitative defects of dysferlin. Last evaluated: 2023-03-31. Review status: criteria provided, single submitter. Criteria: Invitae Variant Classification Sherloc (09022015). Collection method: clinical testing. Allele origin: germline.
Comment: Advanced modeling of protein sequence and biophysical properties (such as structural, functional, and spatial information, amino acid conservation, physicochemical variation, residue mobility, and thermodynamic stability) performed at Invitae indicates that this missense variant is expected to disrupt DYSF protein function. In summary, the available evidence is currently insufficient to determine the role of this variant in disease. Therefore, it has been classified as a Variant of Uncertain Significance. ClinVar contains an entry for this variant (Variation ID: 959387). This variant has not been reported in the literature in individuals affected with DYSF-related conditions. This variant is present in population databases (no rsID available, gnomAD 0.01%). This sequence change replaces asparagine, which is neutral and polar, with lysine, which is basic and polar, at codon 367 of the DYSF protein (p.Asn367Lys).

Natera, Inc.
Classification: Uncertain significance for Limb-girdle muscular dystrophy type 2B. Last evaluated: 2021-02-15. Review status: no assertion criteria provided. Collection method: clinical testing. Allele origin: germline. Not counted in ClinVar's aggregate classification.